The following is an entry in ClinVar:

NM_152424.4(AMER1):c.2884G>A (p.Ala962Thr)

Gene: AMER1 (APC membrane recruitment protein 1; minus strand). Cytogenetic location: Xq11.2.
Variant type: single nucleotide variant.
Coding change: c.2884G>A on transcript NM_152424.4 (MANE Select); coding-DNA position 2884, G replaced by A.
Protein change: p.Ala962Thr; replaces alanine 962 with threonine.
Molecular consequence: missense variant.
Genome position (GRCh38, 1-based): chrX:64,190,403, C>T on the plus strand (G>A on the coding strand, the complement: AMER1 is on the minus strand). VCF-style: chrX-64190403-C-T. GRCh37 (hg19) VCF-style: chrX-63410283-C-T.
Other names: c.2884G>A (NM_152424.3); short protein forms A962T.
Identifiers: ClinVar variation 1476163 (VCV001476163.9), dbSNP rs777905301, ClinGen allele CA10432139.

ClinVar aggregate classification (germline): Conflicting classifications of pathogenicity. Review status: criteria provided, conflicting classifications (1 of 4 stars). 2 submissions from 2 submitters: Uncertain significance (1); Likely benign (1). Last evaluated 2025-05-23.

Conditions:
Inborn genetic diseases. Identifiers: MedGen C0950123, MeSH D030342.
Osteopathia striata with cranial sclerosis (OSCS). Also called: HYPEROSTOSIS GENERALISATA WITH STRIATIONS. Identifiers: Orphanet 2780, MedGen C0432268, MONDO:0010310, OMIM 300373.

Allele frequency attached by ClinVar (database versions not stated): ExAC 0.00002; gnomAD exomes 0.00002 and 0.00003; gnomAD 0.00005.
gnomAD v4.1: 35 of 1,209,829 alleles (0.0029%); highest among the groups gnomAD compares: Non-Finnish European, 0.0037%; no homozygotes.

Submissions (2):

Ambry Genetics
Classification: Likely benign for Inborn genetic diseases. Last evaluated: 2025-05-23. Review status: criteria provided, single submitter. Criteria: Ambry Variant Classification Scheme 2023. Collection method: clinical testing. Allele origin: germline.

Labcorp Genetics (formerly Invitae), Labcorp
Classification: Uncertain significance. Last evaluated: 2024-09-04. Review status: criteria provided, single submitter. Criteria: Invitae Variant Classification Sherloc (09022015). Collection method: clinical testing. Allele origin: germline.
Comment: This sequence change replaces alanine, which is neutral and non-polar, with threonine, which is neutral and polar, at codon 962 of the AMER1 protein (p.Ala962Thr). This variant is present in population databases (rs777905301, gnomAD 0.004%), including at least one homozygous and/or hemizygous individual. This variant has not been reported in the literature in individuals affected with AMER1-related conditions. ClinVar contains an entry for this variant (Variation ID: 1476163). An algorithm developed to predict the effect of missense changes on protein structure and function (PolyPhen-2) suggests that this variant is likely to be disruptive. In summary, the available evidence is currently insufficient to determine the role of this variant in disease. Therefore, it has been classified as a Variant of Uncertain Significance.